The following is an entry in ClinVar:

ClinVar aggregate classification (germline): Uncertain significance. Review status: criteria provided, multiple submitters, no conflicts (2 of 4 stars). 2 submissions from 2 submitters: Uncertain significance (2). Last evaluated 2026-07-12.

Conditions:
Hereditary cancer-predisposing syndrome. Also called: Tumor predisposition; Hereditary neoplastic syndrome; Hereditary Cancer Syndrome; Neoplastic Syndromes, Hereditary. Identifiers: Orphanet 140162, MedGen C0027672, MeSH D009386, MONDO:0015356.
Cardiovascular phenotype. Identifiers: MedGen CN230736.

Submissions (2):

Ambry Genetics
Classification: Uncertain significance for Cardiovascular phenotype; Hereditary cancer-predisposing syndrome. Last evaluated: 2026-07-12. Review status: criteria provided, single submitter. Criteria: Ambry Variant Classification Scheme 2023. Collection method: clinical testing. Allele origin: germline.
Comment: The p.S69N variant (also known as c.206G>A), located in coding exon 2 of the LZTR1 gene, results from a G to A substitution at nucleotide position 206. The serine at codon 69 is replaced by asparagine, an amino acid with highly similar properties. This amino acid position is conserved. In addition, this alteration is predicted to be tolerated by in silico analysis. Based on the available evidence, the clinical significance of this variant remains unclear.

Labcorp Genetics (formerly Invitae), Labcorp
Classification: Uncertain significance. Last evaluated: 2024-12-24. Review status: criteria provided, single submitter. Criteria: Invitae Variant Classification Sherloc (09022015). Collection method: clinical testing. Allele origin: germline.
Comment: This sequence change replaces serine, which is neutral and polar, with asparagine, which is neutral and polar, at codon 69 of the LZTR1 protein (p.Ser69Asn). This variant is not present in population databases (gnomAD no frequency). This variant has not been reported in the literature in individuals affected with LZTR1-related conditions. Invitae Evidence Modeling of protein sequence and biophysical properties (such as structural, functional, and spatial information, amino acid conservation, physicochemical variation, residue mobility, and thermodynamic stability) indicates that this missense variant is not expected to disrupt LZTR1 protein function with a negative predictive value of 80%. In summary, the available evidence is currently insufficient to determine the role of this variant in disease. Therefore, it has been classified as a Variant of Uncertain Significance.

NM_006767.4(LZTR1):c.206G>A (p.Ser69Asn)

Gene: LZTR1 (leucine zipper like post translational regulator 1; plus strand). Cytogenetic location: 22q11.21.
Variant type: single nucleotide variant.
Coding change: c.206G>A on transcript NM_006767.4 (MANE Select); coding-DNA position 206, G replaced by A.
Protein change: p.Ser69Asn; replaces serine 69 with asparagine.
Molecular consequence: missense variant.
Genome position (GRCh38, 1-based): chr22:20,983,032, G>A. VCF-style: chr22-20983032-G-A. GRCh37 (hg19) VCF-style: chr22-21337321-G-A.
Other names: c.206G>A (NM_006767.3); short protein forms S69N.
Identifiers: ClinVar variation 3710940 (VCV003710940.3).
Genomic context (GRCh38, chr22:20,983,032, plus strand): 5'-TGGGTGCCCCCCAGGAGGGTCCTGTCCTTACCGCCCTCCACTCCTTTCTTTCCAGGCGCA[G>A]CAAGCACACAGTGGTGGCCTATAAAGATGCCATTTATGTATTTGGTGGAGACAATGGGTG-3'
Protein context (NP_006758.2, residues 59-79): PCDEFVGARR[Ser69Asn]KHTVVAYKDA